The following is an entry in ClinVar:

ClinVar aggregate classification (germline): Likely benign (0 of 4 stars; one submission).

Conditions:
HK2-related disorder. Also called: HK2-related condition.

Allele frequency attached by ClinVar (database versions not stated): 1000 Genomes Project 0.00220; ESP Exome Variant Server 0.00169; gnomAD 0.00168; 1000 Genomes Project 30x 0.00234; gnomAD exomes 0.00030; ExAC 0.00044; TOPMed 0.00163.
gnomAD v4.1: 705 of 1,613,890 alleles (0.044%); highest among the groups gnomAD compares: African/African-American, 0.41%; 1 homozygote.

Submission:

PreventionGenetics, part of Exact Sciences
Classification: Likely benign for HK2-related condition. Last evaluated: 2019-08-20. Review status: no assertion criteria provided. Collection method: clinical testing. Allele origin: germline.
Comment: This variant is classified as likely benign based on ACMG/AMP sequence variant interpretation guidelines (Richards et al. 2015 PMID: 25741868, with internal and published modifications).

NM_000189.5(HK2):c.465G>A (p.Ser155=)

Gene: HK2 (hexokinase 2; plus strand). Cytogenetic location: 2p12.
Variant type: single nucleotide variant.
Coding change: c.465G>A on transcript NM_000189.5 (MANE Select); coding-DNA position 465, G replaced by A.
Protein change: p.Ser155=; no amino-acid change (serine 155 retained).
Molecular consequence: synonymous variant.
Genome position (GRCh38, 1-based): chr2:74,872,389, G>A. VCF-style: chr2-74872389-G-A. GRCh37 (hg19) VCF-style: chr2-75099516-G-A.
Other names: c.381G>A, p.Ser127= (NM_001371525.2).
Identifiers: ClinVar variation 3052840 (VCV003052840.2), dbSNP rs61755708, ClinGen allele CA1731092.